The following is an entry in ClinVar:

ClinVar aggregate classification (germline): Uncertain significance (1 of 4 stars; one submission).

Conditions:
Familial meningioma. Also called: Meningioma, familial, susceptibility to. Identifiers: Orphanet 263662, MedGen C3551915, MONDO:0011789, OMIM 607174.

Submission:

Labcorp Genetics (formerly Invitae), Labcorp
Classification: Uncertain significance for Familial meningioma. Last evaluated: 2020-03-19. Review status: criteria provided, single submitter. Criteria: Invitae Variant Classification Sherloc (09022015). Collection method: clinical testing. Allele origin: germline.
Comment: In summary, the available evidence is currently insufficient to determine the role of this variant in disease. Therefore, it has been classified as a Variant of Uncertain Significance. Algorithms developed to predict the effect of missense changes on protein structure and function are either unavailable or do not agree on the potential impact of this missense change (SIFT: "Deleterious"; PolyPhen-2: "Possibly Damaging"; Align-GVGD: "Class C0"). This variant has not been reported in the literature in individuals with SMARCE1-related conditions. This variant is not present in population databases (ExAC no frequency). This sequence change replaces aspartic acid with asparagine at codon 214 of the SMARCE1 protein (p.Asp214Asn). The aspartic acid residue is highly conserved and there is a small physicochemical difference between aspartic acid and asparagine.

NM_003079.5(SMARCE1):c.640G>A (p.Asp214Asn)

Gene: SMARCE1 (SWI/SNF related BAF chromatin remodeling complex subunit E1; minus strand). Cytogenetic location: 17q21.2.
Variant type: single nucleotide variant.
Coding change: c.640G>A on transcript NM_003079.5 (MANE Select); coding-DNA position 640, G replaced by A.
Protein change: p.Asp214Asn; replaces aspartic acid 214 with asparagine.
Molecular consequence: missense variant.
Genome position (GRCh38, 1-based): chr17:40,632,269, C>T on the plus strand (G>A on the coding strand, the complement: SMARCE1 is on the minus strand). VCF-style: chr17-40632269-C-T. GRCh37 (hg19) VCF-style: chr17-38788521-C-T.
Other names: short protein forms D214N.
Identifiers: ClinVar variation 1061655 (VCV001061655.9), dbSNP rs2143988369, ClinGen allele CA399364690.